The following is an entry in ClinVar:

NM_012096.3(APPL1):c.1221G>T (p.Arg407Ser)

Gene: APPL1 (adaptor protein, phosphotyrosine interacting with PH domain and leucine zipper 1; plus strand). Cytogenetic location: 3p14.3.
Variant type: single nucleotide variant.
Coding change: c.1221G>T on transcript NM_012096.3 (MANE Select); coding-DNA position 1221, G replaced by T.
Protein change: p.Arg407Ser; replaces arginine 407 with serine.
Molecular consequence: missense variant.
Genome position (GRCh38, 1-based): chr3:57,257,025, G>T. VCF-style: chr3-57257025-G-T. GRCh37 (hg19) VCF-style: chr3-57291053-G-T.
Other names: c.1221G>T (NM_012096.2); short protein forms R407S.
Identifiers: ClinVar variation 2968482 (VCV002968482.4), dbSNP rs577975726, ClinGen allele CA2463753.

ClinVar aggregate classification (germline): Uncertain significance. Review status: criteria provided, multiple submitters, no conflicts (2 of 4 stars). 2 submissions from 2 submitters: Uncertain significance (2). Last evaluated 2025-10-02.

Allele frequency attached by ClinVar (database versions not stated): TOPMed below 0.00001; gnomAD 0.00002; gnomAD exomes 0.00002; 1000 Genomes Project 0.00020; ExAC 0.00006; 1000 Genomes Project 30x 0.00016.
gnomAD v4.1: 32 of 1,614,122 alleles (0.002%); highest among the groups gnomAD compares: Middle Eastern, 0.099%; 1 homozygote.

Submissions (2):

Labcorp Genetics (formerly Invitae), Labcorp
Classification: Uncertain significance. Last evaluated: 2025-10-02. Review status: criteria provided, single submitter. Criteria: Invitae Variant Classification Sherloc (09022015). Collection method: clinical testing. Allele origin: germline.
Comment: This sequence change replaces arginine, which is basic and polar, with serine, which is neutral and polar, at codon 407 of the APPL1 protein (p.Arg407Ser). This variant is present in population databases (rs577975726, gnomAD 0.02%). This variant has not been reported in the literature in individuals affected with APPL1-related conditions. ClinVar contains an entry for this variant (Variation ID: 2968482). Invitae Evidence Modeling of protein sequence and biophysical properties (such as structural, functional, and spatial information, amino acid conservation, physicochemical variation, residue mobility, and thermodynamic stability) indicates that this missense variant is not expected to disrupt APPL1 protein function with a negative predictive value of 80%. In summary, the available evidence is currently insufficient to determine the role of this variant in disease. Therefore, it has been classified as a Variant of Uncertain Significance.

Ambry Genetics
Classification: Uncertain significance. Last evaluated: 2024-11-24. Review status: criteria provided, single submitter. Criteria: Ambry Variant Classification Scheme 2023. Collection method: clinical testing. Allele origin: germline.